The following is an entry in ClinVar:

NM_006070.6(TFG):c.638C>G (p.Ser213Cys)

Gene: TFG (trafficking from ER to golgi regulator; plus strand). Cytogenetic location: 3q12.2.
Variant type: single nucleotide variant.
Coding change: c.638C>G on transcript NM_006070.6 (MANE Select); coding-DNA position 638, C replaced by G.
Protein change: p.Ser213Cys; replaces serine 213 with cysteine.
Molecular consequence: missense variant.
Genome position (GRCh38, 1-based): chr3:100,736,633, C>G. VCF-style: chr3-100736633-C-G. GRCh37 (hg19) VCF-style: chr3-100455477-C-G.
Other names: c.638C>G, p.Ser213Cys (NM_001007565.2, NM_001195478.2, NM_001195479.2); short protein forms S213C.
Identifiers: ClinVar variation 1498191 (VCV001498191.8), dbSNP rs2095107235, ClinGen allele CA353847045.

ClinVar aggregate classification (germline): Uncertain significance (1 of 4 stars; one submission).

Conditions:
Hereditary motor and sensory neuropathy, Okinawa type (HMSNO). Also called: HEREDITARY MOTOR AND SENSORY NEUROPATHY, PROXIMAL TYPE. Identifiers: Orphanet 90117, MedGen C1858338, MONDO:0011468, OMIM 604484.
Hereditary spastic paraplegia 57. Also called: Spastic paraplegia 57, autosomal recessive. Identifiers: Orphanet 431329, MedGen C3714897, MONDO:0014295, OMIM 615658.

Allele frequency attached by ClinVar (database versions not stated): TOPMed below 0.00001.

Submission:

Labcorp Genetics (formerly Invitae), Labcorp
Classification: Uncertain significance for Hereditary motor and sensory neuropathy, Okinawa type; Hereditary spastic paraplegia 57. Last evaluated: 2021-06-26. Review status: criteria provided, single submitter. Criteria: Invitae Variant Classification Sherloc (09022015). Collection method: clinical testing. Allele origin: germline.
Comment: This sequence change replaces serine with cysteine at codon 213 of the TFG protein (p.Ser213Cys). The serine residue is highly conserved and there is a moderate physicochemical difference between serine and cysteine. This variant is not present in population databases (ExAC no frequency). This variant has not been reported in the literature in individuals with TFG-related conditions. Algorithms developed to predict the effect of missense changes on protein structure and function are either unavailable or do not agree on the potential impact of this missense change (SIFT: "Tolerated"; PolyPhen-2: "Possibly Damaging"; Align-GVGD: "Class C0"). In summary, the available evidence is currently insufficient to determine the role of this variant in disease. Therefore, it has been classified as a Variant of Uncertain Significance.